The following is an entry in ClinVar:

ClinVar aggregate classification (germline): Uncertain significance. Review status: criteria provided, multiple submitters, no conflicts (2 of 4 stars). 2 submissions from 2 submitters: Uncertain significance (2). Last evaluated 2026-06-01.

Conditions:
Inborn genetic diseases. Identifiers: MedGen C0950123, MeSH D030342.

gnomAD v4.1: 6 of 1,614,074 alleles (0.00037%); highest among the groups gnomAD compares: Non-Finnish European, 0.00051%; no homozygotes.

Submissions (2):

CeGaT Center for Human Genetics Tuebingen
Classification: Uncertain significance. Last evaluated: 2026-06-01. Review status: criteria provided, single submitter. Criteria: CeGaT Center For Human Genetics Tuebingen Variant Classification Criteria Version 2. Collection method: clinical testing. Allele origin: germline. Affected: yes. Observed: 1 variant allele.
Comment: SLC18A2: PM2

Ambry Genetics
Classification: Uncertain significance for Inborn genetic diseases. Last evaluated: 2025-11-19. Review status: criteria provided, single submitter. Criteria: Ambry Variant Classification Scheme 2023. Collection method: clinical testing. Allele origin: germline.

NM_003054.6(SLC18A2):c.799C>T (p.Leu267Phe)

Gene: SLC18A2 (solute carrier family 18 member A2; plus strand). Cytogenetic location: 10q25.3.
Variant type: single nucleotide variant.
Coding change: c.799C>T on transcript NM_003054.6 (MANE Select); coding-DNA position 799, C replaced by T.
Protein change: p.Leu267Phe; replaces leucine 267 with phenylalanine.
Molecular consequence: missense variant.
Genome position (GRCh38, 1-based): chr10:117,255,487, C>T. VCF-style: chr10-117255487-C-T. GRCh37 (hg19) VCF-style: chr10-119014998-C-T.
Other names: short protein forms L267F.
Identifiers: ClinVar variation 4631032 (VCV004631032.3).